The following is an entry in ClinVar:

NM_018646.6(TRPV6):c.2189G>A (p.Arg730His)

Gene: TRPV6 (transient receptor potential cation channel subfamily V member 6; minus strand). Cytogenetic location: 7q34.
Variant type: single nucleotide variant.
Coding change: c.2189G>A on transcript NM_018646.6 (MANE Select); coding-DNA position 2189, G replaced by A.
Protein change: p.Arg730His; replaces arginine 730 with histidine.
Molecular consequence: missense variant.
Genome position (GRCh38, 1-based): chr7:142,871,816, C>T on the plus strand (G>A on the coding strand, the complement: TRPV6 is on the minus strand). VCF-style: chr7-142871816-C-T. GRCh37 (hg19) VCF-style: chr7-142569569-C-T.
Other names: short protein forms R730H.
Identifiers: ClinVar variation 4773441 (VCV004773441.1).

ClinVar aggregate classification (germline): Uncertain significance (1 of 4 stars; one submission).

gnomAD v4.1: 7 of 1,614,194 alleles (0.00043%); highest among the groups gnomAD compares: Admixed American, 0.0017%; no homozygotes.

Submission:

Labcorp Genetics (formerly Invitae), Labcorp
Classification: Uncertain significance. Last evaluated: 2025-09-09. Review status: criteria provided, single submitter. Criteria: Invitae Variant Classification Sherloc (09022015). Collection method: clinical testing. Allele origin: germline.
Comment: This sequence change replaces arginine, which is basic and polar, with histidine, which is basic and polar, at codon 730 of the TRPV6 protein (p.Arg730His). This variant is present in population databases (rs548744029, gnomAD 0.007%). This variant has not been reported in the literature in individuals affected with TRPV6-related conditions. An algorithm developed to predict the effect of missense changes on protein structure and function outputs the following: PolyPhen-2: "Not Available". The histidine amino acid residue is found in multiple mammalian species, which suggests that this missense change does not adversely affect protein function. In summary, the available evidence is currently insufficient to determine the role of this variant in disease. Therefore, it has been classified as a Variant of Uncertain Significance.